The following is an entry in ClinVar:

NM_024675.4(PALB2):c.3249G>C (p.Glu1083Asp)

Gene: PALB2 (partner and localizer of BRCA2; minus strand). Cytogenetic location: 16p12.2.
Variant type: single nucleotide variant.
Coding change: c.3249G>C on transcript NM_024675.4 (MANE Select); coding-DNA position 3249, G replaced by C.
Protein change: p.Glu1083Asp; replaces glutamic acid 1083 with aspartic acid.
Molecular consequence: missense variant.
Genome position (GRCh38, 1-based): chr16:23,607,965, C>G on the plus strand (G>C on the coding strand, the complement: PALB2 is on the minus strand). VCF-style: chr16-23607965-C-G. GRCh37 (hg19) VCF-style: chr16-23619286-C-G.
Other names: p.E1083D:GAG>GAC; NM_024675.3(PALB2):c.3249G>C; short protein forms E1083D.
Identifiers: ClinVar variation 126726 (VCV000126726.46), dbSNP rs147045425, ClinGen allele CA288472.

ClinVar aggregate classification (germline): Benign. Review status: reviewed by expert panel (3 of 4 stars). 16 submissions from 16 submitters: Benign (1). 15 of the submissions do not count toward it. Last evaluated 2023-04-05.

Conditions:
PALB2-related disorder. Also called: PALB2-related condition; PALB2-related disorders.
PALB2-related cancer predisposition. Identifiers: MedGen CN377761, MONDO:0700272.
Anaplastic ependymoma. Also called: Malignant ependymoma. Identifiers: Orphanet 251646, MedGen C0280788, MONDO:0016700.
Hereditary cancer-predisposing syndrome. Also called: Tumor predisposition; Hereditary neoplastic syndrome; Neoplastic Syndromes, Hereditary; Hereditary Cancer Syndrome. Identifiers: Orphanet 140162, MedGen C0027672, MeSH D009386, MONDO:0015356.
Familial cancer of breast. Also called: Hereditary breast cancer; hereditary breast carcinoma; BREAST CANCER, FAMILIAL. Identifiers: Orphanet 227535, MedGen C0346153, MONDO:0016419, OMIM 114480. Disease mechanism: loss of function.

Allele frequency attached by ClinVar (database versions not stated): gnomAD 0.00005; gnomAD exomes 0.00006 and 0.00024; ESP Exome Variant Server 0.00008; TOPMed 0.00016; ExAC 0.00017.
gnomAD v4.1: 86 of 1,613,962 alleles (0.0053%); highest among the groups gnomAD compares: Admixed American, 0.11%; no homozygotes.

Submissions (16):

ClinGen Hereditary Breast, Ovarian and Pancreatic Cancer Variant Curation Expert Panel, ClinGen
Classification: Benign for PALB2-related cancer predisposition. Last evaluated: 2023-04-05. Review status: reviewed by expert panel. Criteria: ClinGen HBOP VCEP ACMG Specifications PALB2 V1.0.0. Collection method: curation. Allele origin: germline. Inheritance: Autosomal dominant inheritance.
Comment: The c.3249G>C (p.Glu1083Asp) variant in PALB2 is a missense variant predicted to cause substitution of glutamic acid by aspartic acid at amino acid 1083 (p.Glu1083Asp). This variant has a gnomAD v2.1.1 filtering allele frequency of 0.001331 in the Latino/Admixed American population, which is higher than the HBOP VCEP threshold (>0.001) for BA1, and therefore meets this criterion. This variant is functional in multiple protein assays; however, due to a lack of positive missense controls with known clinical impact, these assays do not meet the requirements for use by the HBOP VCEP (PMID: 31636395). PALB2, in which the variant was identified, is defined by the HBOP VCEP as a gene for which primarily truncating variants are known to cause disease. In summary, this variant meets the criteria to be classified as benign for autosomal dominant hereditary breast and pancreatic cancer and autosomal recessive FANCN based on the ACMG/AMP criteria applied as specified by the HBOP VCEP. (BA1, BP1)

CeGaT Center for Human Genetics Tuebingen
Classification: Likely benign. Last evaluated: 2026-06-01. Review status: criteria provided, single submitter. Criteria: CeGaT Center For Human Genetics Tuebingen Variant Classification Criteria Version 2. Collection method: clinical testing. Allele origin: germline. Affected: yes. Observed: 1 variant allele. Not counted in ClinVar's aggregate classification.
Comment: PALB2: BP4, BS3:Supporting, BS1

Labcorp Genetics (formerly Invitae), Labcorp
Classification: Benign for Familial cancer of breast. Last evaluated: 2026-01-28. Review status: criteria provided, single submitter. Criteria: Invitae Variant Classification Sherloc (09022015). Collection method: clinical testing. Allele origin: germline. Not counted in ClinVar's aggregate classification.

PreventionGenetics, part of Exact Sciences
Classification: Likely benign for PALB2-related condition. Last evaluated: 2026-01-13. Review status: criteria provided, single submitter. Criteria: ACMG Guidelines, 2015. Collection method: clinical testing. Allele origin: germline. Not counted in ClinVar's aggregate classification.
Comment: This variant is classified as likely benign based on ACMG/AMP sequence variant interpretation guidelines (Richards et al. 2015 PMID: 25741868, with internal and published modifications).

Quest Diagnostics Nichols Institute San Juan Capistrano
Classification: Likely benign. Last evaluated: 2025-03-05. Review status: criteria provided, single submitter. Criteria: Quest Diagnostics criteria. Collection method: clinical testing. Allele origin: unknown. Not counted in ClinVar's aggregate classification.

Institute for Biomarker Research, Medical Diagnostic Laboratories, L.L.C.
Classification: Likely benign for Hereditary cancer-predisposing syndrome. Last evaluated: 2024-04-22. Review status: criteria provided, single submitter. Criteria: ACMG Guidelines, 2015. Collection method: clinical testing. Allele origin: germline. Not counted in ClinVar's aggregate classification.

Myriad Genetics, Inc.
Classification: Benign for Familial cancer of breast. Last evaluated: 2023-03-31. Review status: criteria provided, single submitter. Criteria: Myriad Autosomal Dominant, Autosomal Recessive and X-Linked Classification Criteria (2023). Collection method: clinical testing. Allele origin: unknown. Not counted in ClinVar's aggregate classification.
Comment: This variant is considered benign. This variant is strongly associated with less severe personal and family histories of cancer, typical for individuals without pathogenic variants in this gene [PMID: 25085752]. This variant has been observed in trans with a known pathogenic variant in one or more individuals lacking clinical features consistent with gene-specific recessive disease.

ARUP Laboratories, Molecular Genetics and Genomics, ARUP Laboratories
Classification: Likely benign. Last evaluated: 2022-09-15. Review status: criteria provided, single submitter. Criteria: ARUP Molecular Germline Variant Investigation Process 2021. Collection method: clinical testing. Allele origin: germline. Not counted in ClinVar's aggregate classification.

Women's Health and Genetics/Laboratory Corporation of America, LabCorp
Classification: Likely benign. Last evaluated: 2022-05-05. Review status: criteria provided, single submitter. Criteria: LabCorp Variant Classification Summary - May 2015. Collection method: clinical testing. Allele origin: germline. Not counted in ClinVar's aggregate classification.

GeneDx
Classification: Likely benign. Last evaluated: 2021-04-15. Review status: criteria provided, single submitter. Criteria: GeneDx Variant Classification Process June 2021. Collection method: clinical testing. Allele origin: germline. Affected: yes. Not counted in ClinVar's aggregate classification.
Comment: This variant is associated with the following publications: (PMID: 23770606, 26580448, 28779002, 21285249, 26315354, 26689913, 28678401, 30171174, 31636395)

Ambry Genetics
Classification: Likely benign for Hereditary cancer-predisposing syndrome. Last evaluated: 2020-03-24. Review status: criteria provided, single submitter. Criteria: Ambry Variant Classification Scheme 2023. Collection method: clinical testing. Allele origin: germline. Not counted in ClinVar's aggregate classification.

Color Diagnostics, LLC DBA Color Health
Classification: Likely benign for Hereditary cancer-predisposing syndrome. Last evaluated: 2020-01-07. Review status: criteria provided, single submitter. Criteria: ACMG Guidelines, 2015. Collection method: clinical testing. Allele origin: germline. Not counted in ClinVar's aggregate classification.

Division of Medical Genetics, University of Washington
Classification: Uncertain significance for Familial cancer of breast. Last evaluated: 2019-03-22. Review status: criteria provided, single submitter. Criteria: ACMG Guidelines, 2015. Collection method: clinical testing. Allele origin: germline. Affected: no. Study: CSER_CHARM. Not counted in ClinVar's aggregate classification.
Comment: The c.3249G>C variant has been reported in individuals with cancer, including breast cancer, renal cancer and leukemia, as well a healthy control (Decker 2017, Ramus 2015, Lu 2015, Zhang 2015, Casadei 2011). The c.3249G>C variant has an overall allele frequency of 0.0002 in the Broad Institute ExAC Browser, and is more common in individuals of Latino ancestry (Lek 2016). Thus, it is unknown at this time whether this variant increases cancer risk.

St. Jude Molecular Pathology, St. Jude Children's Research Hospital
Classification: Uncertain significance for Anaplastic ependymoma. Last evaluated: 2017-04-03. Review status: criteria provided, single submitter. Criteria: ACMG Guidelines, 2015. Collection method: clinical testing. Allele origin: germline. Affected: yes. Not counted in ClinVar's aggregate classification.

Leiden Open Variation Database
Classification: Uncertain significance for Familial cancer of breast. Last evaluated: 2019-05-13. Review status: no assertion criteria provided. Collection method: curation. Allele origin: germline. Affected: yes. Not counted in ClinVar's aggregate classification.
Comment: Curators: Marc Tischkowitz, Arleen D. Auerbach. Submitter to LOVD: Marc Tischkowitz.

Counsyl
Classification: Uncertain significance for Familial cancer of breast. Last evaluated: 2016-05-10. Review status: no assertion criteria provided. Collection method: clinical testing. Allele origin: unknown. Not counted in ClinVar's aggregate classification.

Literature cited by the submitters: PubMed 21285249 (cited by 4 submitters); PubMed 26315354 (cited by 3 submitters); PubMed 33471991 (cited by Quest Diagnostics Nichols Institute San Juan Capistrano); PubMed 31636395 (cited by Quest Diagnostics Nichols Institute San Juan Capistrano and Ambry Genetics); PubMed 28678401 (cited by Quest Diagnostics Nichols Institute San Juan Capistrano and Ambry Genetics); PubMed 26689913 (cited by 3 submitters); PubMed 26580448 (cited by 3 submitters); PubMed 36833268 (cited by Quest Diagnostics Nichols Institute San Juan Capistrano); PubMed 25085752 (cited by Myriad Genetics, Inc.); PubMed 27616075 (cited by Ambry Genetics).